The following is an entry in ClinVar:

NM_130384.3(ATRIP):c.515A>G (p.Gln172Arg)

Genes: ATRIP (ATR interacting protein; plus strand), ATRIP-TREX1 (ATRIP-TREX1 readthrough; plus strand). Cytogenetic location: 3p21.31.
Variant type: single nucleotide variant.
Coding change: c.515A>G on transcript NM_130384.3 (MANE Select); coding-DNA position 515, A replaced by G.
Protein change: p.Gln172Arg; replaces glutamine 172 with arginine.
Molecular consequence: missense variant. On other transcripts: non-coding transcript variant (1).
Genome position (GRCh38, 1-based): chr3:48,451,862, A>G. VCF-style: chr3-48451862-A-G. GRCh37 (hg19) VCF-style: chr3-48493268-A-G.
Other names: c.134A>G, p.Gln45Arg (NM_001271022.2); c.236A>G, p.Gln79Arg (NM_001271023.2); c.515A>G, p.Gln172Arg (NM_032166.4); c.515A>G (NM_130384.1); short protein forms Q45R, Q79R, Q172R.
Identifiers: ClinVar variation 2063396 (VCV002063396.4), dbSNP rs150047731, ClinGen allele CA2375991.
Genomic context (GRCh38, chr3:48,451,862, plus strand): 5'-CGGAATCCGTTCTAGAGGAACAGAGAAGATCACATTTTCTTCTTGAGCAAGAGAAAACCC[A>G]AGCACTCAGTGACAAGGAAAAGGAATTCTCCAAAAAGGTGACCCAGAGCATTTGTTTTGC-3'
Protein context (NP_569055.1, residues 162-182): SHFLLEQEKT[Gln172Arg]ALSDKEKEFS

ClinVar aggregate classification (germline): Uncertain significance. Review status: criteria provided, multiple submitters, no conflicts (2 of 4 stars). 2 submissions from 2 submitters: Uncertain significance (2). Last evaluated 2024-12-16.

Allele frequency attached by ClinVar (database versions not stated): 1000 Genomes Project 30x 0.00016; 1000 Genomes Project 0.00020; TOPMed 0.00020; gnomAD 0.00036; ESP Exome Variant Server 0.00046; gnomAD exomes 0.00057; ExAC 0.00071.
gnomAD v4.1: 865 of 1,610,894 alleles (0.054%); highest among the groups gnomAD compares: Non-Finnish European, 0.064%; 1 homozygote.

Submissions (2):

Ambry Genetics
Classification: Uncertain significance. Last evaluated: 2024-12-16. Review status: criteria provided, single submitter. Criteria: Ambry Variant Classification Scheme 2023. Collection method: clinical testing. Allele origin: germline.
Comment: The p.Q172R variant (also known as c.515A>G), located in coding exon 3 of the ATRIP gene, results from an A to G substitution at nucleotide position 515. The glutamine at codon 172 is replaced by arginine, an amino acid with highly similar properties. This amino acid position is well conserved in available vertebrate species. In addition, this alteration is predicted to be tolerated by in silico analysis. The evidence for this gene-disease relationship is limited; therefore, the clinical significance of this alteration is unclear.

Labcorp Genetics (formerly Invitae), Labcorp
Classification: Uncertain significance. Last evaluated: 2024-11-18. Review status: criteria provided, single submitter. Criteria: Invitae Variant Classification Sherloc (09022015). Collection method: clinical testing. Allele origin: germline.
Comment: This sequence change replaces glutamine, which is neutral and polar, with arginine, which is basic and polar, at codon 172 of the ATRIP protein (p.Gln172Arg). This variant is present in population databases (rs150047731, gnomAD 0.1%), and has an allele count higher than expected for a pathogenic variant. This variant has not been reported in the literature in individuals affected with ATRIP-related conditions. ClinVar contains an entry for this variant (Variation ID: 2063396). An algorithm developed to predict the effect of missense changes on protein structure and function (PolyPhen-2) suggests that this variant¬†is likely to be tolerated. In summary, the available evidence is currently insufficient to determine the role of this variant in disease. Therefore, it has been classified as a Variant of Uncertain Significance.